The following is an entry in ClinVar:

NM_000535.7(PMS2):c.1549A>C (p.Ser517Arg)

Gene: PMS2 (PMS1 homolog 2, mismatch repair system component; minus strand). Cytogenetic location: 7p22.1.
Variant type: single nucleotide variant.
Coding change: c.1549A>C on transcript NM_000535.7 (MANE Select); coding-DNA position 1549, A replaced by C.
Protein change: p.Ser517Arg; replaces serine 517 with arginine.
Molecular consequence: missense variant. On other transcripts: non-coding transcript variant (1).
Genome position (GRCh38, 1-based): chr7:5,987,216, T>G on the plus strand (A>C on the coding strand, the complement: PMS2 is on the minus strand). VCF-style: chr7-5987216-T-G. GRCh37 (hg19) VCF-style: chr7-6026847-T-G.
Other names: c.1144A>C, p.Ser382Arg (NM_001406890.1, NM_001406891.1, NM_001406892.1 and 17 more transcripts); c.1393A>C, p.Ser465Arg (NM_001322006.2, NM_001406870.1); c.1231A>C, p.Ser411Arg (NM_001322007.2, NM_001322008.2, NM_001406876.1 and 2 more transcripts); c.988A>C, p.Ser330Arg (NM_001322010.2, NM_001406906.1, NM_001406907.1); c.616A>C, p.Ser206Arg (NM_001322011.2, NM_001322012.2); c.976A>C, p.Ser326Arg (NM_001322013.2, NM_001406909.1); c.1549A>C, p.Ser517Arg (NM_001322014.2, NM_001406871.1, NM_001406872.1); c.1240A>C, p.Ser414Arg (NM_001322015.2, NM_001406875.1, NM_001406877.1 and 5 more transcripts); and 12 more; short protein forms S359R, S362R, S579R, S326R, S414R, S461R, S465R, S206R.
Identifiers: ClinVar variation 1774987 (VCV001774987.2), dbSNP rs786202274, ClinGen allele CA366741611.

ClinVar aggregate classification (germline): Uncertain significance (1 of 4 stars; one submission).

Conditions:
Hereditary cancer-predisposing syndrome. Also called: Hereditary Cancer Syndrome; Hereditary neoplastic syndrome; Neoplastic Syndromes, Hereditary; Tumor predisposition. Identifiers: Orphanet 140162, MedGen C0027672, MeSH D009386, MONDO:0015356.

Submission:

Ambry Genetics
Classification: Uncertain significance for Hereditary cancer-predisposing syndrome. Last evaluated: 2020-08-07. Review status: criteria provided, single submitter. Criteria: Ambry Variant Classification Scheme 2023. Collection method: clinical testing. Allele origin: germline.
Comment: The p.S517R variant (also known as c.1549A>C), located in coding exon 11 of the PMS2 gene, results from an A to C substitution at nucleotide position 1549. The serine at codon 517 is replaced by arginine, an amino acid with dissimilar properties. This amino acid position is not well conserved in available vertebrate species. In addition, this alteration is predicted to be tolerated by in silico analysis. Since supporting evidence is limited at this time, the clinical significance of this alteration remains unclear.